The following is an entry in ClinVar:

ClinVar aggregate classification (germline): Uncertain significance (1 of 4 stars; one submission).

Submission:

Labcorp Genetics (formerly Invitae), Labcorp
Classification: Uncertain significance. Last evaluated: 2024-09-27. Review status: criteria provided, single submitter. Criteria: Invitae Variant Classification Sherloc (09022015). Collection method: clinical testing. Allele origin: germline.
Comment: This sequence change replaces asparagine, which is neutral and polar, with histidine, which is basic and polar, at codon 223 of the ADCY10 protein (p.Asn223His). This variant is not present in population databases (gnomAD no frequency). This variant has not been reported in the literature in individuals affected with ADCY10-related conditions. An algorithm developed to predict the effect of missense changes on protein structure and function (PolyPhen-2) suggests that this variant is likely to be tolerated. In summary, the available evidence is currently insufficient to determine the role of this variant in disease. Therefore, it has been classified as a Variant of Uncertain Significance.

NM_018417.6(ADCY10):c.667A>C (p.Asn223His)

Genes: ADCY10 (adenylate cyclase 10; minus strand), DCAF6 (DDB1 and CUL4 associated factor 6; plus strand). Cytogenetic location: 1q24.2.
Variant type: single nucleotide variant.
Coding change: c.667A>C on transcript NM_018417.6 (MANE Select); coding-DNA position 667, A replaced by C.
Protein change: p.Asn223His; replaces asparagine 223 with histidine.
Molecular consequence: missense variant.
Genome position (GRCh38, 1-based): chr1:167,896,667, T>G on the plus strand (A>C on the coding strand, the complement: ADCY10 is on the minus strand). VCF-style: chr1-167896667-T-G. GRCh37 (hg19) VCF-style: chr1-167865905-T-G.
Other names: c.208A>C, p.Asn70His (NM_001167749.3); c.391A>C, p.Asn131His (NM_001297772.2); short protein forms N131H, N223H, N70H.
Identifiers: ClinVar variation 3621450 (VCV003621450.2).